The following is an entry in ClinVar:

ClinVar aggregate classification (germline): Likely pathogenic (1 of 4 stars; one submission).

Submission:

Labcorp Genetics (formerly Invitae), Labcorp
Classification: Likely pathogenic. Last evaluated: 2023-01-24. Review status: criteria provided, single submitter. Criteria: Invitae Variant Classification Sherloc (09022015). Collection method: clinical testing. Allele origin: unknown.
Comment: This variant has not been reported in the literature in individuals affected with LOXHD1-related conditions. In summary, the currently available evidence indicates that the variant is pathogenic, but additional data are needed to prove that conclusively. Therefore, this variant has been classified as Likely Pathogenic. This variant disrupts a region of the LOXHD1 protein in which other variant(s) (p.Asp1939Asn) have been observed in individuals with LOXHD1-related conditions (PMID: 34416374). This suggests that this is a clinically significant region of the protein, and that variants that disrupt it are likely to be disease-causing. This variant results in the deletion of exon 37 and part of exon 38 (c.5693-2090_5918del) of the LOXHD1 gene. It is expected to disrupt RNA splicing. Variants that disrupt the donor or acceptor splice site typically lead to a loss of protein function (PMID: 16199547), and loss-of-function variants in LOXHD1 are known to be pathogenic (PMID: 19732867, 21465660, 25792669).

Literature cited by the submitters: PubMed 34416374; PubMed 16199547; PubMed 19732867; PubMed 21465660; PubMed 25792669.

NC_000018.9:g.(?_44065060)_(44071195_?)del

Gene: LOXHD1 (lipoxygenase homology PLAT domains 1; minus strand). Cytogenetic location: 18q21.1.
Variant type: Deletion.
Identifiers: ClinVar variation 3242821 (VCV003242821.1).